The following is an entry in ClinVar:

ClinVar aggregate classification (germline): Uncertain significance (1 of 4 stars; one submission).

Allele frequency attached by ClinVar (database versions not stated): gnomAD exomes below 0.00001; TOPMed 0.00001.
gnomAD v4.1: 1 of 1,613,812 alleles (0.000062%); highest among the groups gnomAD compares: African/African-American, 0.0013%; no homozygotes.

Submission:

Labcorp Genetics (formerly Invitae), Labcorp
Classification: Uncertain significance. Last evaluated: 2021-02-15. Review status: criteria provided, single submitter. Criteria: Invitae Variant Classification Sherloc (09022015). Collection method: clinical testing. Allele origin: germline.
Comment: In summary, the available evidence is currently insufficient to determine the role of this variant in disease. Therefore, it has been classified as a Variant of Uncertain Significance. Advanced modeling of protein sequence and biophysical properties (such as structural, functional, and spatial information, amino acid conservation, physicochemical variation, residue mobility, and thermodynamic stability) performed at Invitae indicates that this missense variant is not expected to disrupt CPLANE1 protein function. This variant has not been reported in the literature in individuals with CPLANE1-related conditions. This variant is not present in population databases (ExAC no frequency). This sequence change replaces aspartic acid with asparagine at codon 1467 of the CPLANE1 protein (p.Asp1467Asn). The aspartic acid residue is weakly conserved and there is a small physicochemical difference between aspartic acid and asparagine.

NM_001384732.1(CPLANE1):c.4399G>A (p.Asp1467Asn)

Genes: CPLANE1 (ciliogenesis and planar polarity effector complex subunit 1; minus strand), LOC129389274 (MPRA-validated peak5227 silencer; plus strand). Cytogenetic location: 5p13.2.
Variant type: single nucleotide variant.
Coding change: c.4399G>A on transcript NM_001384732.1 (MANE Select); coding-DNA position 4399, G replaced by A.
Protein change: p.Asp1467Asn; replaces aspartic acid 1467 with asparagine.
Molecular consequence: missense variant.
Genome position (GRCh38, 1-based): chr5:37,184,870, C>T on the plus strand (G>A on the coding strand, the complement: CPLANE1 is on the minus strand). VCF-style: chr5-37184870-C-T. GRCh37 (hg19) VCF-style: chr5-37184972-C-T.
Other names: c.4399G>A, p.Asp1467Asn (NM_023073.4); short protein forms D1467N.
Identifiers: ClinVar variation 1372747 (VCV001372747.8), dbSNP rs1783568098, ClinGen allele CA359499618.